The following is an entry in ClinVar:

ClinVar aggregate classification (germline): Likely benign. Review status: criteria provided, multiple submitters, no conflicts (2 of 4 stars). 2 submissions from 2 submitters: Likely benign (2). Last evaluated 2026-03-01.

Conditions:
Epidermolysis bullosa simplex, Ogna type (EBS5A). Also called: Pidermolysis bullosa simplex 5A, Ogna type; EPIDERMOLYSIS BULLOSA SIMPLEX 5A, OGNA TYPE. Identifiers: Orphanet 79401, MedGen C0432317, MONDO:0007555, OMIM 131950.
Autosomal recessive limb-girdle muscular dystrophy type 2Q (LGMDR17). Also called: MUSCULAR DYSTROPHY, LIMB-GIRDLE, AUTOSOMAL RECESSIVE 17. Identifiers: Orphanet 254361, MedGen C3150989, MONDO:0013390, OMIM 613723.
Epidermolysis bullosa simplex 5C, with pyloric atresia (EBS5C). Also called: PLEC-Related Epidermolysis Bullosa with Pyloric Atresia; Epidermolysis bullosa simplex with pyloric atresia; PLEC1-Related Epidermolysis Bullosa with Pyloric Atresia. Identifiers: Orphanet 158684, MedGen C2677349, MONDO:0012807, OMIM 612138.
Epidermolysis bullosa simplex with nail dystrophy (EBS5D). Identifiers: MedGen C4225309, MONDO:0014661, OMIM 616487.
Epidermolysis bullosa simplex 5B, with muscular dystrophy (EBS5B). Also called: EPIDERMOLYSIS BULLOSA SIMPLEX AND LIMB-GIRDLE MUSCULAR DYSTROPHY; Epidermolysis bullosa simplex with muscular dystrophy. Identifiers: Orphanet 257, MedGen C2931072, MONDO:0009181, OMIM 226670.

gnomAD v4.1: 4 of 1,613,274 alleles (0.00025%); highest among the groups gnomAD compares: Admixed American, 0.0067%; no homozygotes.

Submissions (2):

CeGaT Center for Human Genetics Tuebingen
Classification: Likely benign. Last evaluated: 2026-03-01. Review status: criteria provided, single submitter. Criteria: CeGaT Center For Human Genetics Tuebingen Variant Classification Criteria Version 2. Collection method: clinical testing. Allele origin: germline. Affected: yes. Observed: 1 variant allele.
Comment: PLEC: BP4, BP7

Labcorp Genetics (formerly Invitae), Labcorp
Classification: Likely benign for Autosomal recessive limb-girdle muscular dystrophy type 2Q; Epidermolysis bullosa simplex, Ogna type; Epidermolysis bullosa simplex with nail dystrophy; Epidermolysis bullosa simplex 5C, with pyloric atresia; Epidermolysis bullosa simplex 5B, with muscular dystrophy. Last evaluated: 2024-10-03. Review status: criteria provided, single submitter. Criteria: Invitae Variant Classification Sherloc (09022015). Collection method: clinical testing. Allele origin: germline.

NM_201384.3(PLEC):c.3795C>G (p.Val1265=)

Gene: PLEC (plectin; minus strand). Cytogenetic location: 8q24.3.
Variant type: single nucleotide variant.
Coding change: c.3795C>G on transcript NM_201384.3 (MANE Select); coding-DNA position 3795, C replaced by G.
Protein change: p.Val1265=; no amino-acid change (valine 1265 retained).
Molecular consequence: synonymous variant.
Genome position (GRCh38, 1-based): chr8:143,927,297, G>C on the plus strand (C>G on the coding strand, the complement: PLEC is on the minus strand). VCF-style: chr8-143927297-G-C. GRCh37 (hg19) VCF-style: chr8-145001465-G-C.
Other names: c.3876C>G, p.Val1292= (NM_000445.5); c.3753C>G, p.Val1251= (NM_201378.4); c.3729C>G, p.Val1243= (NM_201379.3); c.4206C>G, p.Val1402= (NM_201380.4); c.3699C>G, p.Val1233= (NM_201381.3); c.3795C>G, p.Val1265= (NM_201382.4); c.3807C>G, p.Val1269= (NM_201383.3).
Identifiers: ClinVar variation 793687 (VCV000793687.10), dbSNP rs559970805, ClinGen allele CA4926926.
Genomic context (GRCh38, chr8:143,927,297, plus strand): 5'-GCGGCTGGGCCTCACCTTGATGGCGTTGATGTACTGTTTCGCAAACCTCTGGCACTCCTC[G>C]ACCTTCTCGCCGTGGCGCTCGATCTCCTCCAGCAGGGCCTGGGTGATGGTGTGGTCAGAG-3'
Protein context (NP_958786.1, residues 1255-1275): LEEIERHGEK[Val1265=]EECQRFAKQY